The following is an entry in ClinVar:

NM_001267550.2(TTN):c.718_719insATG (p.Met239_Val240insAsp)

Gene: TTN (titin; minus strand). Cytogenetic location: 2q31.2.
Variant type: Insertion.
Coding change: c.718_719insATG on transcript NM_001267550.2 (MANE Select); coding-DNA positions 718 to 719, ATG inserted.
Protein change: p.Met239_Val240insAsp.
Molecular consequence: inframe insertion.
Genome position: GRCh38 VCF-style: chr2-178799682-A-ACAT. GRCh37 (hg19) VCF-style: chr2-179664409-A-ACAT.
Other names: c.718_719insATG, p.Met239_Val240insAsp (NM_001256850.1, NM_003319.4, NM_133378.4 and 3 more transcripts).
Identifiers: ClinVar variation 4866169 (VCV004866169.1).

ClinVar aggregate classification (germline): Uncertain significance (1 of 4 stars; one submission).

Conditions:
Cardiovascular phenotype. Identifiers: MedGen CN230736.

Submission:

Ambry Genetics
Classification: Uncertain significance for Cardiovascular phenotype. Last evaluated: 2026-05-20. Review status: criteria provided, single submitter. Criteria: Ambry Variant Classification Scheme 2023. Collection method: clinical testing. Allele origin: germline.
Comment: The c.718_719insATG variant (also known as p.M239_V240insD), located in coding exon 5 of the TTN gene, results from an in-frame ATG insertion at nucleotide positions 718 to 719. This results in the insertion of an extra aspartic acid residue between codons 239 and 240. This exon is located in the Z-disk region of the N2-B isoform of the titin protein and is constitutively expressed in TTN transcripts (percent spliced in or PSI 100%). This amino acid region is well conserved in available vertebrate species. In addition, the in silico prediction for this variant is inconclusive (Choi Y et al. PLoS ONE. 2012; 7(10):e46688). Based on the available evidence, the clinical significance of this variant remains unclear.